The following is an entry in ClinVar:

NM_133259.4(LRPPRC):c.2563T>C (p.Leu855=)

Gene: LRPPRC (leucine rich pentatricopeptide repeat containing; minus strand). Cytogenetic location: 2p21.
Variant type: single nucleotide variant.
Coding change: c.2563T>C on transcript NM_133259.4 (MANE Select); coding-DNA position 2563, T replaced by C.
Protein change: p.Leu855=; no amino-acid change (leucine 855 retained).
Molecular consequence: synonymous variant.
Genome position (GRCh38, 1-based): chr2:43,934,820, A>G on the plus strand (T>C on the coding strand, the complement: LRPPRC is on the minus strand). VCF-style: chr2-43934820-A-G. GRCh37 (hg19) VCF-style: chr2-44161959-A-G.
Identifiers: ClinVar variation 511278 (VCV000511278.9), dbSNP rs749500498, ClinGen allele CA1638419.

ClinVar aggregate classification (germline): Likely benign. Review status: criteria provided, multiple submitters, no conflicts (2 of 4 stars). 2 submissions from 2 submitters: Likely benign (2). Last evaluated 2025-11-24.

Allele frequency attached by ClinVar (database versions not stated): gnomAD exomes below 0.00001 and 0.00002; TOPMed below 0.00001; ExAC 0.00001; gnomAD 0.00001.
gnomAD v4.1: 32 of 1,611,828 alleles (0.002%); highest among the groups gnomAD compares: Non-Finnish European, 0.0026%; no homozygotes.

Submissions (2):

Labcorp Genetics (formerly Invitae), Labcorp
Classification: Likely benign. Last evaluated: 2025-11-24. Review status: criteria provided, single submitter. Criteria: Invitae Variant Classification Sherloc (09022015). Collection method: clinical testing. Allele origin: germline.

GeneDx
Classification: Likely benign. Last evaluated: 2017-08-18. Review status: criteria provided, single submitter. Criteria: GeneDx Variant Classification (06012015). Collection method: clinical testing. Allele origin: germline. Affected: yes.
Comment: This variant is considered likely benign or benign based on one or more of the following criteria: it is a conservative change, it occurs at a poorly conserved position in the protein, it is predicted to be benign by multiple in silico algorithms, and/or has population frequency not consistent with disease.